The following is an entry in ClinVar:

ClinVar aggregate classification (germline): Uncertain significance (0 of 4 stars; one submission).

Conditions:
GOLGA4-related disorder. Also called: GOLGA4-related condition.

Submission:

PreventionGenetics, part of Exact Sciences
Classification: Uncertain significance for GOLGA4-related condition. Last evaluated: 2024-01-02. Review status: no assertion criteria provided. Collection method: clinical testing. Allele origin: germline.
Comment: The GOLGA4 c.6695A>G variant is predicted to result in the amino acid substitution p.Asp2232Gly. To our knowledge, this variant has not been reported in the literature or in a large population database, indicating this variant is rare. At this time, the clinical significance of this variant is uncertain due to the absence of conclusive functional and genetic evidence.

NM_002078.5(GOLGA4):c.6650A>G (p.Asp2217Gly)

Gene: GOLGA4 (golgin A4; plus strand). Cytogenetic location: 3p22.2.
Variant type: single nucleotide variant.
Coding change: c.6650A>G on transcript NM_002078.5 (MANE Select); coding-DNA position 6650, A replaced by G.
Protein change: p.Asp2217Gly; replaces aspartic acid 2217 with glycine.
Molecular consequence: missense variant.
Genome position (GRCh38, 1-based): chr3:37,355,174, A>G. VCF-style: chr3-37355174-A-G. GRCh37 (hg19) VCF-style: chr3-37396665-A-G.
Other names: c.6695A>G, p.Asp2232Gly (NM_001172713.3); c.6716A>G, p.Asp2239Gly (NM_001410721.2, NM_001429191.1); c.6767A>G, p.Asp2256Gly (NM_001429190.1); c.6602A>G, p.Asp2201Gly (NM_001429193.1); c.6668A>G, p.Asp2223Gly (NM_001429196.1, NM_001429198.1); c.6650A>G, p.Asp2217Gly (NM_001429201.1); c.6611A>G, p.Asp2204Gly (NM_001429202.1); short protein forms D2217G, D2232G, D2239G, D2201G, D2204G, D2223G, D2256G.
Identifiers: ClinVar variation 3060856 (VCV003060856.2), dbSNP rs2481213814, ClinGen allele CA352087191.
Genomic context (GRCh38, chr3:37,355,174, plus strand): 5'-TTATAACCACCGTACTGAAGTTCCCTGATGATCAGACTCAGAAAATTTTGGAAAGAGAAG[A>G]TGCTCGGCTGATGGTAAGTTCTGGAAGTGGGCTCTAGATAGAAGATGATTTCCCATCTGT-3'
Protein context (NP_002069.2, residues 2207-2227): DQTQKILERE[Asp2217Gly]ARLMFTSPRS